The following is an entry in ClinVar:

ClinVar aggregate classification (germline): Conflicting classifications of pathogenicity. Review status: criteria provided, conflicting classifications (1 of 4 stars). 3 submissions from 3 submitters: Likely pathogenic (1); Uncertain significance (2). Last evaluated 2026-01-27.

Conditions:
Multiple acyl-CoA dehydrogenase deficiency (MADD). Also called: Glutaric aciduria, type 2; Glutaric Acidemia type 2; Glutaric acidemia type II; GA 2; ETHYLMALONIC-ADIPICACIDURIA; GA II. Identifiers: Orphanet 26791, MedGen C0268596, MONDO:0009282, OMIM 231680.

Allele frequency attached by ClinVar (database versions not stated): TOPMed below 0.00001; gnomAD 0.00001; ExAC 0.00002; gnomAD exomes 0.00002; ESP Exome Variant Server 0.00008.
gnomAD v4.1: 30 of 1,614,058 alleles (0.0019%); highest among the groups gnomAD compares: East Asian, 0.0022%; no homozygotes.

Submissions (3):

Labcorp Genetics (formerly Invitae), Labcorp
Classification: Likely pathogenic for Multiple acyl-CoA dehydrogenase deficiency. Last evaluated: 2026-01-27. Review status: criteria provided, single submitter. Criteria: Invitae Variant Classification Sherloc (09022015). Collection method: clinical testing. Allele origin: germline.
Comment: This sequence change replaces arginine, which is basic and polar, with histidine, which is basic and polar, at codon 99 of the ETFDH protein (p.Arg99His). This variant is present in population databases (rs376630579, gnomAD 0.005%). This variant has not been reported in the literature in individuals affected with ETFDH-related conditions. ClinVar contains an entry for this variant (Variation ID: 1066888). Invitae Evidence Modeling of protein sequence and biophysical properties (such as structural, functional, and spatial information, amino acid conservation, physicochemical variation, residue mobility, and thermodynamic stability) indicates that this missense variant is expected to disrupt ETFDH protein function with a positive predictive value of 80%. This variant disrupts the p.Arg99 amino acid residue in ETFDH. Other variant(s) that disrupt this residue have been determined to be pathogenic (PMID: 23700290, 24522293, 29336361). This suggests that this residue is clinically significant, and that variants that disrupt this residue are likely to be disease-causing. In summary, the currently available evidence indicates that the variant is pathogenic, but additional data are needed to prove that conclusively. Therefore, this variant has been classified as Likely Pathogenic.

Women's Health and Genetics/Laboratory Corporation of America, LabCorp
Classification: Uncertain significance. Last evaluated: 2023-07-27. Review status: criteria provided, single submitter. Criteria: LabCorp Variant Classification Summary - May 2015. Collection method: clinical testing. Allele origin: germline.
Comment: Variant summary: ETFDH c.296G>A (p.Arg99His) results in a non-conservative amino acid change in the encoded protein sequence. Five of five in-silico tools predict a damaging effect of the variant on protein function. The variant allele was found at a frequency of 2e-05 in 251440 control chromosomes (gnomAD). The available data on variant occurrences in the general population are insufficient to allow any conclusion about variant significance. To our knowledge, no occurrence of c.296G>A in individuals affected with Glutaric Aciduria, Type 2c and no experimental evidence demonstrating its impact on protein function have been reported. Two submitters have cited clinical-significance assessments for this variant to ClinVar after 2014. One submitter classified the variant as likely pathogenic, and one submitter classified the variant as uncertain significance. Based on the evidence outlined above, the variant was classified as uncertain significance.

GeneDx
Classification: Uncertain significance. Last evaluated: 2019-12-09. Review status: criteria provided, single submitter. Criteria: GeneDx Variant Classification Process June 2021. Collection method: clinical testing. Allele origin: germline. Affected: yes.
Comment: Has not been previously published as pathogenic or benign to our knowledge; Not observed at a significant frequency in large population cohorts (Lek et al., 2016); In-silico analysis, which includes splice predictors, is inconclusive as to whether the variant alters gene splicing. In the absence of RNA/functional studies, the actual effect of this sequence change is unknown.; In silico analysis, which includes protein predictors and evolutionary conservation, supports a deleterious effect

Literature cited by the submitters: PubMed 23700290 (cited by Labcorp Genetics (formerly Invitae), Labcorp); PubMed 24522293 (cited by Labcorp Genetics (formerly Invitae), Labcorp); PubMed 29336361 (cited by Labcorp Genetics (formerly Invitae), Labcorp).

NM_004453.4(ETFDH):c.296G>A (p.Arg99His)

Gene: ETFDH (electron transfer flavoprotein dehydrogenase; plus strand). Cytogenetic location: 4q32.1.
Variant type: single nucleotide variant.
Coding change: c.296G>A on transcript NM_004453.4 (MANE Select); coding-DNA position 296, G replaced by A.
Protein change: p.Arg99His; replaces arginine 99 with histidine.
Molecular consequence: missense variant.
Genome position (GRCh38, 1-based): chr4:158,682,315, G>A. VCF-style: chr4-158682315-G-A. GRCh37 (hg19) VCF-style: chr4-159603467-G-A.
Other names: c.296G>A (NM_004453.3); c.155G>A, p.Arg52His (NM_001281737.2); c.113G>A, p.Arg38His (NM_001281738.1); short protein forms R38H, R52H, R99H.
Identifiers: ClinVar variation 1066888 (VCV001066888.11), dbSNP rs376630579, ClinGen allele CA3122316.